The following is an entry in ClinVar:

ClinVar aggregate classification (germline): Benign/Likely benign. Review status: criteria provided, multiple submitters, no conflicts (2 of 4 stars). 2 submissions from 2 submitters: Benign (1); Likely benign (1). Last evaluated 2024-09-23.

Allele frequency attached by ClinVar (database versions not stated): gnomAD exomes 0.00078; ExAC 0.00113; gnomAD 0.00122; ESP Exome Variant Server 0.00123; 1000 Genomes Project 30x 0.00172; TOPMed 0.00173; 1000 Genomes Project 0.00180.
gnomAD v4.1: 1,440 of 1,614,052 alleles (0.089%); highest among the groups gnomAD compares: Middle Eastern, 1.6%; 17 homozygotes.

Submissions (3):

Blueprint Genetics
Classification: Likely benign. Last evaluated: 2024-09-23. Review status: criteria provided, single submitter. Criteria: ACMG Guidelines, 2015. Collection method: clinical testing. Allele origin: germline.

CeGaT Center for Human Genetics Tuebingen
Classification: Benign. Last evaluated: 2024-08-01. Review status: criteria provided, single submitter. Criteria: CeGaT Center For Human Genetics Tuebingen Variant Classification Criteria Version 2. Collection method: clinical testing. Allele origin: germline. Affected: yes. Observed: 2 variant alleles.
Comment: FCN2: BP4, BS1, BS2

Dr. Peter K. Rogan Lab, Western University
No classification provided (evidence only). Condition: Clear cell carcinoma of kidney. Review status: no classification provided. Collection method: in vitro. Allele origin: not applicable. Functional consequence: retained intron. Not counted in ClinVar's aggregate classification.

NM_004108.3(FCN2):c.317A>G (p.Lys106Arg)

Gene: FCN2 (ficolin 2; plus strand). Cytogenetic location: 9q34.3.
Variant type: single nucleotide variant.
Coding change: c.317A>G on transcript NM_004108.3 (MANE Select); coding-DNA position 317, A replaced by G.
Protein change: p.Lys106Arg; replaces lysine 106 with arginine.
Molecular consequence: missense variant.
Genome position (GRCh38, 1-based): chr9:134,885,254, A>G. VCF-style: chr9-134885254-A-G. GRCh37 (hg19) VCF-style: chr9-137777100-A-G.
Other names: NC_000009.11:g.137777100A>G; c.203A>G, p.Lys68Arg (NM_015837.3); short protein forms K106R, K68R.
Identifiers: ClinVar variation 2659703 (VCV002659703.26), dbSNP rs147936623, ClinGen allele CA5321132.